The following is an entry in ClinVar:

ClinVar aggregate classification (germline): Uncertain significance (1 of 4 stars; one submission).

Conditions:
Primary dilated cardiomyopathy (DCM). Also called: Dilated Cardiomyopathy. Identifiers: Orphanet 217604, MedGen C0007193, MeSH D002311, MONDO:0005021, HP:0001644. Inheritance: Various modes of inheritance.
Hypertrophic cardiomyopathy. Also called: HYPERTROPHIC MYOCARDIOPATHY. Identifiers: Orphanet 217569, MedGen C0007194, MeSH D002312, MONDO:0005045, HP:0001639.

Allele frequency attached by ClinVar (database versions not stated): TOPMed below 0.00001.

Submission:

Labcorp Genetics (formerly Invitae), Labcorp
Classification: Uncertain significance for Hypertrophic cardiomyopathy; Primary dilated cardiomyopathy. Last evaluated: 2022-07-12. Review status: criteria provided, single submitter. Criteria: Invitae Variant Classification Sherloc (09022015). Collection method: clinical testing. Allele origin: germline.
Comment: This sequence change replaces glycine, which is neutral and non-polar, with serine, which is neutral and polar, at codon 9 of the PDLIM3 protein (p.Gly9Ser). This variant is not present in population databases (gnomAD no frequency). This variant has not been reported in the literature in individuals affected with PDLIM3-related conditions. ClinVar contains an entry for this variant (Variation ID: 863384). Algorithms developed to predict the effect of missense changes on protein structure and function (SIFT, PolyPhen-2, Align-GVGD) all suggest that this variant is likely to be disruptive. In summary, the available evidence is currently insufficient to determine the role of this variant in disease. Therefore, it has been classified as a Variant of Uncertain Significance.

NM_014476.6(PDLIM3):c.25G>A (p.Gly9Ser)

Gene: PDLIM3 (PDZ and LIM domain 3; minus strand). Cytogenetic location: 4q35.1.
Variant type: single nucleotide variant.
Coding change: c.25G>A on transcript NM_014476.6 (MANE Select); coding-DNA position 25, G replaced by A.
Protein change: p.Gly9Ser; replaces glycine 9 with serine.
Molecular consequence: missense variant. On other transcripts: non-coding transcript variant (1).
Genome position (GRCh38, 1-based): chr4:185,535,410, C>T on the plus strand (G>A on the coding strand, the complement: PDLIM3 is on the minus strand). VCF-style: chr4-185535410-C-T. GRCh37 (hg19) VCF-style: chr4-186456564-C-T.
Other names: c.25G>A, p.Gly9Ser (NM_001114107.5, NM_001257962.2, NM_001257963.2); short protein forms G9S.
Identifiers: ClinVar variation 863384 (VCV000863384.10), dbSNP rs2095752062, ClinGen allele CA358932791.